The following is an entry in ClinVar:

NM_001673.5(ASNS):c.519del (p.Phe174_Leu175insTer)

Genes: ASNS (asparagine synthetase (glutamine-hydrolyzing); minus strand), CZ1P-ASNS (CZ1P-ASNS readthrough; minus strand). Cytogenetic location: 7q21.3.
Variant type: Deletion.
Coding change: c.519del on transcript NM_001673.5 (MANE Select); coding-DNA position 519, one base deleted (C; older notation c.519delC).
Protein change: p.Phe174_Leu175insTer.
Molecular consequence: frameshift variant. On other transcripts: non-coding transcript variant (1).
Genome position (GRCh38, 1-based): chr7:97,859,367, G deleted on the plus strand (C on the coding strand, the reverse complement: ASNS is on the minus strand); the first of 3 consecutive G bases (chr7:97,859,367-97,859,369); deleting any one gives the same sequence. VCF-style (leftmost placement, unchanged base first): chr7-97859366-AG-A. GRCh37 (hg19) VCF-style: chr7-97488678-AG-A.
Other names: c.456del, p.Phe153_Leu154insTer (NM_001178075.2); c.270del, p.Phe91_Leu92insTer (NM_001178076.2, NM_001178077.1); c.519del, p.Phe174_Leu175insTer (NM_001352496.2, NM_133436.3, NM_183356.4).
Identifiers: ClinVar variation 2843780 (VCV002843780.3), dbSNP rs2484662674, ClinGen allele CA2739278612.

ClinVar aggregate classification (germline): Pathogenic (1 of 4 stars; one submission).

Submission:

Labcorp Genetics (formerly Invitae), Labcorp
Classification: Pathogenic. Last evaluated: 2023-03-08. Review status: criteria provided, single submitter. Criteria: Invitae Variant Classification Sherloc (09022015). Collection method: clinical testing. Allele origin: germline.
Comment: For these reasons, this variant has been classified as Pathogenic. This variant has not been reported in the literature in individuals affected with ASNS-related conditions. This variant is not present in population databases (gnomAD no frequency). This sequence change creates a premature translational stop signal (p.Leu175*) in the ASNS gene. It is expected to result in an absent or disrupted protein product. Loss-of-function variants in ASNS are known to be pathogenic (PMID: 27422383, 30057589).

Literature cited by the submitters: PubMed 27422383; PubMed 30057589.